The following is an entry in ClinVar:

ClinVar aggregate classification (germline): Uncertain significance. Review status: criteria provided, multiple submitters, no conflicts (2 of 4 stars). 2 submissions from 2 submitters: Uncertain significance (2). Last evaluated 2026-07-07.

Conditions:
Retinoblastoma (RB1). Also called: RETINOBLASTOMA, SOMATIC. Identifiers: Orphanet 790, MedGen C0035335, MeSH D012175, MONDO:0008380, OMIM 180200, HP:0009919. Disease mechanism: loss of function. Inheritance: Both sporadic and heritable forms are tested..
Hereditary cancer-predisposing syndrome. Also called: Hereditary neoplastic syndrome; Neoplastic Syndromes, Hereditary; Tumor predisposition; Hereditary Cancer Syndrome. Identifiers: Orphanet 140162, MedGen C0027672, MeSH D009386, MONDO:0015356.

Submissions (2):

Ambry Genetics
Classification: Uncertain significance for Hereditary cancer-predisposing syndrome. Last evaluated: 2026-07-07. Review status: criteria provided, single submitter. Criteria: Ambry Variant Classification Scheme 2023. Collection method: clinical testing. Allele origin: germline.
Comment: The p.A496T variant (also known as c.1486G>A), located in coding exon 16 of the RB1 gene, results from a G to A substitution at nucleotide position 1486. The alanine at codon 496 is replaced by threonine, an amino acid with similar properties. This amino acid position is conserved. In addition, this alteration is predicted to be deleterious by in silico analysis. Based on the available evidence, the clinical significance of this variant remains unclear.

Labcorp Genetics (formerly Invitae), Labcorp
Classification: Uncertain significance for Retinoblastoma. Last evaluated: 2024-02-09. Review status: criteria provided, single submitter. Criteria: Invitae Variant Classification Sherloc (09022015). Collection method: clinical testing. Allele origin: germline.
Comment: This sequence change replaces alanine, which is neutral and non-polar, with threonine, which is neutral and polar, at codon 496 of the RB1 protein (p.Ala496Thr). This variant is not present in population databases (gnomAD no frequency). This variant has not been reported in the literature in individuals affected with RB1-related conditions. Advanced modeling of protein sequence and biophysical properties (such as structural, functional, and spatial information, amino acid conservation, physicochemical variation, residue mobility, and thermodynamic stability) performed at Invitae indicates that this missense variant is not expected to disrupt RB1 protein function with a negative predictive value of 80%. In summary, the available evidence is currently insufficient to determine the role of this variant in disease. Therefore, it has been classified as a Variant of Uncertain Significance.

NM_000321.3(RB1):c.1486G>A (p.Ala496Thr)

Gene: RB1 (RB transcriptional corepressor 1; plus strand). Cytogenetic location: 13q14.2.
Variant type: single nucleotide variant.
Coding change: c.1486G>A on transcript NM_000321.3 (MANE Select); coding-DNA position 1486, G replaced by A.
Protein change: p.Ala496Thr; replaces alanine 496 with threonine.
Molecular consequence: missense variant.
Genome position (GRCh38, 1-based): chr13:48,380,229, G>A. VCF-style: chr13-48380229-G-A. GRCh37 (hg19) VCF-style: chr13-48954365-G-A.
Other names: c.1486G>A, p.Ala496Thr (NM_001407165.1, NM_001407166.1); short protein forms A496T.
Identifiers: ClinVar variation 3639800 (VCV003639800.3).
Genomic context (GRCh38, chr13:48,380,229, plus strand): 5'-CTTCTGAATGACAACATTTTTCATATGTCTTTATTGGCGTGCGCTCTTGAGGTTGTAATG[G>A]CCACATATAGCAGTAAGTTAAATTTTCATAAATAAACACTTTTGTTCAATTTAAAGTTAA-3'
Protein context (NP_000312.2, residues 486-506): LLACALEVVM[Ala496Thr]TYSRSTSQNL